The following is an entry in ClinVar:

ClinVar aggregate classification (germline): Conflicting classifications of pathogenicity. Review status: criteria provided, conflicting classifications (1 of 4 stars). 2 submissions from 2 submitters: Uncertain significance (1); Likely benign (1). Last evaluated 2025-06-17.

Conditions:
Autosomal dominant Robinow syndrome 2. Identifiers: Orphanet 3107, Orphanet 97360, MedGen C4225363, MONDO:0014591, OMIM 616331.

Allele frequency attached by ClinVar (database versions not stated): gnomAD 0.00008; gnomAD exomes 0.00009; TOPMed 0.00009; ExAC 0.00014; ESP Exome Variant Server 0.00015.
gnomAD v4.1: 375 of 1,612,046 alleles (0.023%); highest among the groups gnomAD compares: Non-Finnish European, 0.03%; no homozygotes.

Submissions (2):

Labcorp Genetics (formerly Invitae), Labcorp
Classification: Likely benign. Last evaluated: 2025-06-17. Review status: criteria provided, single submitter. Criteria: Invitae Variant Classification Sherloc (09022015). Collection method: clinical testing. Allele origin: germline.

Baylor Genetics
Classification: Uncertain significance for Autosomal dominant Robinow syndrome 2. Last evaluated: 2019-03-02. Review status: criteria provided, single submitter. Criteria: ACMG Guidelines, 2015. Collection method: clinical testing. Allele origin: maternal. Affected: yes.
Comment: This variant was determined to be of uncertain significance according to ACMG Guidelines, 2015 [PMID:25741868].

NM_001330311.2(DVL1):c.665G>A (p.Arg222Gln)

Gene: DVL1 (dishevelled segment polarity protein 1; minus strand). Cytogenetic location: 1p36.33.
Variant type: single nucleotide variant.
Coding change: c.665G>A on transcript NM_001330311.2 (MANE Select); coding-DNA position 665, G replaced by A.
Protein change: p.Arg222Gln; replaces arginine 222 with glutamine.
Molecular consequence: missense variant.
Genome position (GRCh38, 1-based): chr1:1,340,444, C>T on the plus strand (G>A on the coding strand, the complement: DVL1 is on the minus strand). VCF-style: chr1-1340444-C-T. GRCh37 (hg19) VCF-style: chr1-1275824-C-T.
Other names: c.665G>A, p.Arg222Gln (NM_004421.3); short protein forms R222Q.
Identifiers: ClinVar variation 1030794 (VCV001030794.6), dbSNP rs143283367, ClinGen allele CA520548.